The following is an entry in ClinVar:

NM_177438.3(DICER1):c.4732G>A (p.Ala1578Thr)

Gene: DICER1 (dicer 1, ribonuclease III; minus strand). Cytogenetic location: 14q32.13.
Variant type: single nucleotide variant.
Coding change: c.4732G>A on transcript NM_177438.3 (MANE Select); coding-DNA position 4732, G replaced by A.
Protein change: p.Ala1578Thr; replaces alanine 1578 with threonine.
Molecular consequence: missense variant.
Genome position (GRCh38, 1-based): chr14:95,096,188, C>T on the plus strand (G>A on the coding strand, the complement: DICER1 is on the minus strand). VCF-style: chr14-95096188-C-T. GRCh37 (hg19) VCF-style: chr14-95562525-C-T.
Other names: c.4732G>A, p.Ala1578Thr (NM_001195573.1, NM_001271282.3, NM_001291628.2 and 1 more transcripts); short protein forms A1578T.
Identifiers: ClinVar variation 856552 (VCV000856552.13), dbSNP rs760830088, ClinGen allele CA7330809.
Genomic context (GRCh38, chr14:95,096,188, plus strand): 5'-CAGTCCTTTTAATTACCGGGAGCACCTTCAGCCCCAGTGAACAGAGGAAAAGCTGAGCAG[C>T]CCTCTCCCCACAGCTGGTTAAATAGCAGCCCAGCAGGGCTTCCACACAGTCCGCTATGCT-3'
Protein context (NP_803187.1, residues 1568-1588): GCYLTSCGER[Ala1578Thr]AQLFLCSLGL

ClinVar aggregate classification (germline): Uncertain significance. Review status: criteria provided, multiple submitters, no conflicts (2 of 4 stars). 3 submissions from 3 submitters: Uncertain significance (3). Last evaluated 2024-09-12.

Conditions:
DICER1-related tumor predisposition. Also called: DICER1-related pleuropulmonary blastoma cancer predisposition syndrome; DICER1 syndrome. Identifiers: Orphanet 284343, MedGen C3839822, MONDO:0100216.
Global developmental delay - lung cysts - overgrowth - Wilms tumor syndrome. Also called: GLOW Syndrome; GLOBAL DEVELOPMENTAL DELAY, LUNG CYSTS, OVERGROWTH, AND WILMS TUMOR. Identifiers: Orphanet 404476, MedGen C4748924, MONDO:0018445, OMIM 618272.
Hereditary cancer-predisposing syndrome. Also called: Hereditary Cancer Syndrome; Hereditary neoplastic syndrome; Neoplastic Syndromes, Hereditary; Tumor predisposition. Identifiers: Orphanet 140162, MedGen C0027672, MeSH D009386, MONDO:0015356.

Allele frequency attached by ClinVar (database versions not stated): gnomAD exomes 0.00001; ExAC 0.00002.

Submissions (3):

Labcorp Genetics (formerly Invitae), Labcorp
Classification: Uncertain significance for DICER1-related tumor predisposition. Last evaluated: 2024-09-12. Review status: criteria provided, single submitter. Criteria: Invitae Variant Classification Sherloc (09022015). Collection method: clinical testing. Allele origin: germline.
Comment: This sequence change replaces alanine, which is neutral and non-polar, with threonine, which is neutral and polar, at codon 1578 of the DICER1 protein (p.Ala1578Thr). This variant is present in population databases (rs760830088, gnomAD 0.002%). This missense change has been observed in individual(s) with bladder and uterine cancer (PMID: 30672147). ClinVar contains an entry for this variant (Variation ID: 856552). Invitae Evidence Modeling of protein sequence and biophysical properties (such as structural, functional, and spatial information, amino acid conservation, physicochemical variation, residue mobility, and thermodynamic stability) indicates that this missense variant is expected to disrupt DICER1 protein function with a positive predictive value of 80%. In summary, the available evidence is currently insufficient to determine the role of this variant in disease. Therefore, it has been classified as a Variant of Uncertain Significance.

Ambry Genetics
Classification: Uncertain significance for Hereditary cancer-predisposing syndrome. Last evaluated: 2023-10-23. Review status: criteria provided, single submitter. Criteria: Ambry Variant Classification Scheme 2023. Collection method: clinical testing. Allele origin: germline.
Comment: The p.A1578T variant (also known as c.4732G>A), located in coding exon 22 of the DICER1 gene, results from a G to A substitution at nucleotide position 4732. The alanine at codon 1578 is replaced by threonine, an amino acid with similar properties. This amino acid position is highly conserved in available vertebrate species. In addition, the in silico prediction for this alteration is inconclusive. Since supporting evidence is limited at this time, the clinical significance of this alteration remains unclear.

Baylor Genetics
Classification: Uncertain significance for Global developmental delay - lung cysts - overgrowth - Wilms tumor syndrome. Last evaluated: 2023-09-22. Review status: criteria provided, single submitter. Criteria: ACMG Guidelines, 2015. Collection method: clinical testing. Allele origin: unknown.

Literature cited by the submitters: PubMed 30672147 (cited by Labcorp Genetics (formerly Invitae), Labcorp and Ambry Genetics).